The following is an entry in ClinVar:

ClinVar aggregate classification (germline): Uncertain significance. Review status: criteria provided, multiple submitters, no conflicts (2 of 4 stars). 2 submissions from 2 submitters: Uncertain significance (2). Last evaluated 2024-06-29.

Conditions:
Hereditary cancer-predisposing syndrome. Also called: Tumor predisposition; Hereditary neoplastic syndrome; Neoplastic Syndromes, Hereditary; Hereditary Cancer Syndrome. Identifiers: Orphanet 140162, MedGen C0027672, MeSH D009386, MONDO:0015356.
Multiple endocrine neoplasia, type 1 (MEN1). Also called: MEN I; WERMER SYNDROME; Endocrine adenomatosis multiple; MEN 1; MEA I. Identifiers: Orphanet 652, MedGen C0025267, MeSH D018761, MONDO:0007540, OMIM 131100.

Submissions (2):

Labcorp Genetics (formerly Invitae), Labcorp
Classification: Uncertain significance for Multiple endocrine neoplasia, type 1. Last evaluated: 2024-06-29. Review status: criteria provided, single submitter. Criteria: Invitae Variant Classification Sherloc (09022015). Collection method: clinical testing. Allele origin: germline.
Comment: This sequence change replaces arginine, which is basic and polar, with glycine, which is neutral and non-polar, at codon 335 of the MEN1 protein (p.Arg335Gly). This variant is not present in population databases (gnomAD no frequency). This variant has not been reported in the literature in individuals affected with MEN1-related conditions. ClinVar contains an entry for this variant (Variation ID: 1499360). Advanced modeling of protein sequence and biophysical properties (such as structural, functional, and spatial information, amino acid conservation, physicochemical variation, residue mobility, and thermodynamic stability) performed at Invitae indicates that this missense variant is expected to disrupt MEN1 protein function with a positive predictive value of 95%. In summary, the available evidence is currently insufficient to determine the role of this variant in disease. Therefore, it has been classified as a Variant of Uncertain Significance.

Ambry Genetics
Classification: Uncertain significance for Hereditary cancer-predisposing syndrome. Last evaluated: 2022-10-20. Review status: criteria provided, single submitter. Criteria: Ambry Variant Classification Scheme 2023. Collection method: clinical testing. Allele origin: germline.
Comment: The p.R335G variant (also known as c.1003C>G), located in coding exon 6 of the MEN1 gene, results from a C to G substitution at nucleotide position 1003. The arginine at codon 335 is replaced by glycine, an amino acid with dissimilar properties. This amino acid position is conserved. In addition, this alteration is predicted to be deleterious by in silico analysis. Since supporting evidence is limited at this time, the clinical significance of this alteration remains unclear.

NM_001370259.2(MEN1):c.1003C>G (p.Arg335Gly)

Gene: MEN1 (menin 1; minus strand). Cytogenetic location: 11q13.1.
Variant type: single nucleotide variant.
Coding change: c.1003C>G on transcript NM_001370259.2 (MANE Select); coding-DNA position 1003, C replaced by G.
Protein change: p.Arg335Gly; replaces arginine 335 with glycine.
Molecular consequence: missense variant.
Genome position (GRCh38, 1-based): chr11:64,806,278, G>C on the plus strand (C>G on the coding strand, the complement: MEN1 is on the minus strand). VCF-style: chr11-64806278-G-C. GRCh37 (hg19) VCF-style: chr11-64573750-G-C.
Other names: c.1018C>G, p.Arg340Gly (NM_000244.4, NM_130800.3, NM_130801.3 and 3 more transcripts); c.1003C>G, p.Arg335Gly (NM_001370251.2, NM_001370260.2, NM_001370261.2 and 1 more transcripts); c.898C>G, p.Arg300Gly (NM_001370262.2, NM_001370263.2); short protein forms R340G, R335G, R300G.
Identifiers: ClinVar variation 1499360 (VCV001499360.10), dbSNP rs371364206, ClinGen allele CA381183267.